The following is an entry in ClinVar:

ClinVar aggregate classification (germline): Uncertain significance (1 of 4 stars; one submission).

Conditions:
Cardiovascular phenotype. Identifiers: MedGen CN230736.

Submission:

Ambry Genetics
Classification: Uncertain significance for Cardiovascular phenotype. Last evaluated: 2019-02-27. Review status: criteria provided, single submitter. Criteria: Ambry Variant Classification Scheme 2023. Collection method: clinical testing. Allele origin: germline.
Comment: The p.A3468T variant (also known as c.10402G>A), located in coding exon 72 of the RYR2 gene, results from a G to A substitution at nucleotide position 10402. The alanine at codon 3468 is replaced by threonine, an amino acid with similar properties. This amino acid position is highly conserved in available vertebrate species. In addition, the in silico prediction for this alteration is inconclusive. Since supporting evidence is limited at this time, the clinical significance of this alteration remains unclear.

NM_001035.3(RYR2):c.10402G>A (p.Ala3468Thr)

Gene: RYR2 (ryanodine receptor 2; plus strand). Cytogenetic location: 1q43.
Variant type: single nucleotide variant.
Coding change: c.10402G>A on transcript NM_001035.3 (MANE Select); coding-DNA position 10402, G replaced by A.
Protein change: p.Ala3468Thr; replaces alanine 3468 with threonine.
Molecular consequence: missense variant.
Genome position (GRCh38, 1-based): chr1:237,717,276, G>A. VCF-style: chr1-237717276-G-A. GRCh37 (hg19) VCF-style: chr1-237880576-G-A.
Other names: short protein forms A3468T.
Identifiers: ClinVar variation 1773878 (VCV001773878.2), dbSNP rs2547452075, ClinGen allele CA345414473.